The following is an entry in ClinVar:

ClinVar aggregate classification (germline): Uncertain significance (1 of 4 stars; one submission).

Conditions:
Charcot-Marie-Tooth disease type 4. Also called: Charcot-Marie-Tooth, Type 4; Charcot-Marie-Tooth disease, type IV. Identifiers: Orphanet 64749, MedGen C4082197, MONDO:0018995.

Allele frequency attached by ClinVar (database versions not stated): gnomAD exomes below 0.00001; gnomAD 0.00001.
gnomAD v4.1: 8 of 1,613,822 alleles (0.0005%); highest among the groups gnomAD compares: African/African-American, 0.0027%; no homozygotes.

Submission:

Labcorp Genetics (formerly Invitae), Labcorp
Classification: Uncertain significance for Charcot-Marie-Tooth disease type 4. Last evaluated: 2022-09-01. Review status: criteria provided, single submitter. Criteria: Invitae Variant Classification Sherloc (09022015). Collection method: clinical testing. Allele origin: germline.
Comment: This sequence change replaces arginine, which is basic and polar, with glutamine, which is neutral and polar, at codon 443 of the MTMR2 protein (p.Arg443Gln). This variant is not present in population databases (gnomAD no frequency). This variant has not been reported in the literature in individuals affected with MTMR2-related conditions. ClinVar contains an entry for this variant (Variation ID: 661870). Advanced modeling of protein sequence and biophysical properties (such as structural, functional, and spatial information, amino acid conservation, physicochemical variation, residue mobility, and thermodynamic stability) performed at Invitae indicates that this missense variant is not expected to disrupt MTMR2 protein function. In summary, the available evidence is currently insufficient to determine the role of this variant in disease. Therefore, it has been classified as a Variant of Uncertain Significance.

NM_016156.6(MTMR2):c.1328G>A (p.Arg443Gln)

Gene: MTMR2 (myotubularin related protein 2; minus strand). Cytogenetic location: 11q21.
Variant type: single nucleotide variant.
Coding change: c.1328G>A on transcript NM_016156.6 (MANE Select); coding-DNA position 1328, G replaced by A.
Protein change: p.Arg443Gln; replaces arginine 443 with glutamine.
Molecular consequence: missense variant.
Genome position (GRCh38, 1-based): chr11:95,845,011, C>T on the plus strand (G>A on the coding strand, the complement: MTMR2 is on the minus strand). VCF-style: chr11-95845011-C-T. GRCh37 (hg19) VCF-style: chr11-95578175-C-T.
Other names: c.1112G>A, p.Arg371Gln (NM_001243571.2, NM_201278.3, NM_201281.3); short protein forms R371Q, R443Q.
Identifiers: ClinVar variation 661870 (VCV000661870.8), dbSNP rs1590978311, ClinGen allele CA382420663.